The following is an entry in ClinVar:

NM_020806.5(GPHN):c.347T>A (p.Leu116Gln)

Gene: GPHN (gephyrin; plus strand). Cytogenetic location: 14q23.3.
Variant type: single nucleotide variant.
Coding change: c.347T>A on transcript NM_020806.5 (MANE Select); coding-DNA position 347, T replaced by A.
Protein change: p.Leu116Gln; replaces leucine 116 with glutamine.
Molecular consequence: missense variant.
Genome position (GRCh38, 1-based): chr14:66,879,991, T>A. VCF-style: chr14-66879991-T-A. GRCh37 (hg19) VCF-style: chr14-67346709-T-A.
Other names: c.347T>A, p.Leu116Gln (NM_001024218.2, NM_001377515.1, NM_001377516.1 and 2 more transcripts); c.386T>A, p.Leu129Gln (NM_001377514.1, NM_001377519.1); short protein forms L116Q, L129Q.
Identifiers: ClinVar variation 2849857 (VCV002849857.3), dbSNP rs2549499041, ClinGen allele CA390256932.

ClinVar aggregate classification (germline): Uncertain significance (1 of 4 stars; one submission).

Conditions:
Sulfite oxidase deficiency due to molybdenum cofactor deficiency type C. Also called: Molybdenum cofactor deficiency, complementation group C; Molybdenum cofactor deficiency C. Identifiers: Orphanet 308400, Orphanet 833, MedGen C1854990, MONDO:0014212, OMIM 615501.

Submission:

Labcorp Genetics (formerly Invitae), Labcorp
Classification: Uncertain significance for Sulfite oxidase deficiency due to molybdenum cofactor deficiency type C. Last evaluated: 2024-10-23. Review status: criteria provided, single submitter. Criteria: Invitae Variant Classification Sherloc (09022015). Collection method: clinical testing. Allele origin: germline.
Comment: This sequence change replaces leucine, which is neutral and non-polar, with glutamine, which is neutral and polar, at codon 116 of the GPHN protein (p.Leu116Gln). This variant is not present in population databases (gnomAD no frequency). This variant has not been reported in the literature in individuals affected with GPHN-related conditions. Invitae Evidence Modeling of protein sequence and biophysical properties (such as structural, functional, and spatial information, amino acid conservation, physicochemical variation, residue mobility, and thermodynamic stability) indicates that this missense variant is not expected to disrupt GPHN protein function with a negative predictive value of 80%. In summary, the available evidence is currently insufficient to determine the role of this variant in disease. Therefore, it has been classified as a Variant of Uncertain Significance.